The following is an entry in ClinVar:

NM_000553.6(WRN):c.2103_2104del (p.Leu702fs)

Gene: WRN (WRN RecQ like helicase; plus strand). Cytogenetic location: 8p12.
Variant type: Deletion.
Coding change: c.2103_2104del on transcript NM_000553.6 (MANE Select); coding-DNA positions 2103 to 2104, 2 bases deleted (AC; older notation c.2103_2104delAC).
Protein change: p.Leu702fs; shifts the reading frame from leucine 702.
Molecular consequence: frameshift variant.
Genome position (GRCh38, 1-based): chr8:31,111,629-31,111,630, AC deleted; deleting any 2 consecutive bases within chr8:31,111,628-31,111,630 gives the same sequence; the c. name uses the placement nearest the transcript's 3' end. VCF-style (leftmost placement, unchanged base first): chr8-31111627-GCA-G. GRCh37 (hg19) VCF-style: chr8-30969143-GCA-G.
Other names: c.2103_2104delAC (NM_000553.6); c.2103_2104del (NM_000553.4); short protein forms L702fs.
Identifiers: ClinVar variation 458404 (VCV000458404.14), dbSNP rs1383589957, ClinGen allele CA581428608.
Genomic context (GRCh38, chr8:31,111,627, plus strand): 5'-AATGAATGAGCTCTTTCCTTTTTAAAATATCAGTTTTACATCATTCAGGTTCCAATCGTT[GCA>G]CTTACTGCTACTGCAAGTTCTTCAATCCGGGAAGACATTGTACGTTGCTTAAATCTGAGA-3'

ClinVar aggregate classification (germline): Pathogenic. Review status: criteria provided, multiple submitters, no conflicts (2 of 4 stars). 4 submissions from 4 submitters: Pathogenic (4). Last evaluated 2026-01-04.

Conditions:
Werner syndrome (WRN). Identifiers: Orphanet 902, MedGen C0043119, MONDO:0010196, OMIM 277700.

Submissions (4):

Labcorp Genetics (formerly Invitae), Labcorp
Classification: Pathogenic for Werner syndrome. Last evaluated: 2026-01-04. Review status: criteria provided, single submitter. Criteria: Invitae Variant Classification Sherloc (09022015). Collection method: clinical testing. Allele origin: germline.
Comment: This sequence change creates a premature translational stop signal (p.Leu702Tyrfs*29) in the WRN gene. It is expected to result in an absent or disrupted protein product. Loss-of-function variants in WRN are known to be pathogenic (PMID: 16673358). This variant is present in population databases (no rsID available, gnomAD 0.0009%). This premature translational stop signal has been observed in individual(s) with Werner syndrome (PMID: 15888165). In at least one individual the data is consistent with being in trans (on the opposite chromosome) from a pathogenic variant. This variant is also known as 2334delAC. ClinVar contains an entry for this variant (Variation ID: 458404). For these reasons, this variant has been classified as Pathogenic.

Women's Health and Genetics/Laboratory Corporation of America, LabCorp
Classification: Pathogenic for Werner syndrome. Last evaluated: 2024-08-08. Review status: criteria provided, single submitter. Criteria: LabCorp Variant Classification Summary - May 2015. Collection method: clinical testing. Allele origin: germline.
Comment: Variant summary: WRN c.2103_2104delAC (p.Leu702TyrfsX29) results in a premature termination codon, predicted to cause a truncation of the encoded protein or absence of the protein due to nonsense mediated decay, which are commonly known mechanisms for disease. The variant allele was found at a frequency of 4e-06 in 251364 control chromosomes. c.2103_2104delAC has been reported in the literature in individuals affected with Werner Syndrome (Muller_2005, etc). To our knowledge, no experimental evidence demonstrating an impact on protein function has been reported. The following publication have been ascertained in the context of this evaluation (PMID: 15888165). ClinVar contains an entry for this variant (Variation ID: 458404). Based on the evidence outlined above, the variant was classified as pathogenic.

Fulgent Genetics
Classification: Pathogenic for Werner syndrome. Last evaluated: 2024-06-25. Review status: criteria provided, single submitter. Criteria: ACMG Guidelines, 2015. Collection method: clinical testing. Allele origin: germline.

Baylor Genetics
Classification: Pathogenic for Werner syndrome. Last evaluated: 2024-03-24. Review status: criteria provided, single submitter. Criteria: ACMG Guidelines, 2015. Collection method: clinical testing. Allele origin: unknown.

Literature cited by the submitters: PubMed 16673358 (cited by Labcorp Genetics (formerly Invitae), Labcorp); PubMed 15888165 (cited by Labcorp Genetics (formerly Invitae), Labcorp and Women's Health and Genetics/Laboratory Corporation of America, LabCorp).